The following is an entry in ClinVar:

ClinVar aggregate classification (germline): Uncertain significance (1 of 4 stars; one submission).

Conditions:
RYR1-related disorder. Also called: RYR1-related condition; RYR1-related disorders. Identifiers: MedGen CN239331.

Allele frequency attached by ClinVar (database versions not stated): TOPMed below 0.00001; ExAC 0.00001; gnomAD exomes 0.00002; gnomAD 0.00003.
gnomAD v4.1: 30 of 1,613,296 alleles (0.0019%); highest among the groups gnomAD compares: South Asian, 0.0088%; no homozygotes.

Submission:

Labcorp Genetics (formerly Invitae), Labcorp
Classification: Uncertain significance for RYR1-related disorder. Last evaluated: 2025-08-18. Review status: criteria provided, single submitter. Criteria: Invitae Variant Classification Sherloc (09022015). Collection method: clinical testing. Allele origin: germline.
Comment: This sequence change replaces arginine, which is basic and polar, with glutamine, which is neutral and polar, at codon 2140 of the RYR1 protein (p.Arg2140Gln). This variant is present in population databases (rs755809627, gnomAD 0.01%). This variant has not been reported in the literature in individuals affected with RYR1-related conditions. ClinVar contains an entry for this variant (Variation ID: 2199637). Invitae Evidence Modeling of protein sequence and biophysical properties (such as structural, functional, and spatial information, amino acid conservation, physicochemical variation, residue mobility, and thermodynamic stability) indicates that this missense variant is not expected to disrupt RYR1 protein function with a negative predictive value of 80%. In summary, the available evidence is currently insufficient to determine the role of this variant in disease. Therefore, it has been classified as a Variant of Uncertain Significance.

NM_000540.3(RYR1):c.6419G>A (p.Arg2140Gln)

Gene: RYR1 (ryanodine receptor 1; plus strand). Cytogenetic location: 19q13.2.
Variant type: single nucleotide variant.
Coding change: c.6419G>A on transcript NM_000540.3 (MANE Select); coding-DNA position 6419, G replaced by A.
Protein change: p.Arg2140Gln; replaces arginine 2140 with glutamine.
Molecular consequence: missense variant.
Genome position (GRCh38, 1-based): chr19:38,494,496, G>A. VCF-style: chr19-38494496-G-A. GRCh37 (hg19) VCF-style: chr19-38985136-G-A.
Other names: c.6419G>A, p.Arg2140Gln (NM_001042723.2); short protein forms R2140Q.
Identifiers: ClinVar variation 2199637 (VCV002199637.3), dbSNP rs755809627, ClinGen allele CA068235.
Genomic context (GRCh38, chr19:38,494,496, plus strand): 5'-TGTTCAGCCTCCTGCACCGGCAGTACGACGGGCTGGGTGAGCTGCTGCGTGCCCTGCCGC[G>A]GGCGTACACCATCTCACCGTCCTCCGTGGAAGACACCATGAGCCTGCTCGAGTGCCTCGG-3'
Protein context (NP_000531.2, residues 2130-2150): GLGELLRALP[Arg2140Gln]AYTISPSSVE